The following is an entry in ClinVar:

ClinVar aggregate classification (germline): Uncertain significance. Review status: criteria provided, multiple submitters, no conflicts (2 of 4 stars). 4 submissions from 3 submitters: Uncertain significance (4). Last evaluated 2024-09-02.

Conditions:
Inborn genetic diseases. Identifiers: MedGen C0950123, MeSH D030342.
Seckel syndrome 1 (SCKL1). Also called: MICROCEPHALIC PRIMORDIAL DWARFISM I. Identifiers: Orphanet 808, MedGen C4551474, MONDO:0008869, OMIM 210600.
Familial cutaneous telangiectasia and oropharyngeal predisposition cancer syndrome. Identifiers: Orphanet 313846, MedGen C3281203, MONDO:0013806, OMIM 614564.

Allele frequency attached by ClinVar (database versions not stated): gnomAD exomes below 0.00001 and 0.00001; TOPMed below 0.00001; ExAC 0.00001; gnomAD 0.00001.
gnomAD v4.1: 2 of 1,613,904 alleles (0.00012%); highest among the groups gnomAD compares: Non-Finnish European, 0.00017%; no homozygotes.

Submissions (4):

Ambry Genetics
Classification: Uncertain significance for Inborn genetic diseases. Last evaluated: 2024-09-02. Review status: criteria provided, single submitter. Criteria: Ambry Variant Classification Scheme 2023. Collection method: clinical testing. Allele origin: germline.
Comment: The p.A659T variant (also known as c.1975G>A), located in coding exon 9 of the ATR gene, results from a G to A substitution at nucleotide position 1975. The alanine at codon 659 is replaced by threonine, an amino acid with similar properties. This amino acid position is conserved. In addition, this alteration is predicted to be tolerated by in silico analysis. Since supporting evidence is limited at this time, the clinical significance of this alteration remains unclear.

Genome-Nilou Lab
Classification: Uncertain significance for Seckel syndrome 1. Last evaluated: 2023-02-08. Review status: criteria provided, single submitter. Criteria: ACMG Guidelines, 2015. Collection method: clinical testing. Allele origin: germline.

Genome-Nilou Lab
Classification: Uncertain significance for Familial cutaneous telangiectasia and oropharyngeal predisposition cancer syndrome. Last evaluated: 2023-02-08. Review status: criteria provided, single submitter. Criteria: ACMG Guidelines, 2015. Collection method: clinical testing. Allele origin: germline.

Labcorp Genetics (formerly Invitae), Labcorp
Classification: Uncertain significance. Last evaluated: 2021-02-16. Review status: criteria provided, single submitter. Criteria: Invitae Variant Classification Sherloc (09022015). Collection method: clinical testing. Allele origin: germline.
Comment: This sequence change replaces alanine with threonine at codon 659 of the ATR protein (p.Ala659Thr). The alanine residue is moderately conserved and there is a small physicochemical difference between alanine and threonine. This variant is present in population databases (rs758152041, ExAC 0.002%). This variant has not been reported in the literature in individuals with ATR-related conditions. Algorithms developed to predict the effect of missense changes on protein structure and function (SIFT, PolyPhen-2, Align-GVGD) all suggest that this variant is likely to be tolerated, but these predictions have not been confirmed by published functional studies and their clinical significance is uncertain. In summary, the available evidence is currently insufficient to determine the role of this variant in disease. Therefore, it has been classified as a Variant of Uncertain Significance.

NM_001184.4(ATR):c.1975G>A (p.Ala659Thr)

Gene: ATR (ATR checkpoint kinase; minus strand). Cytogenetic location: 3q23.
Variant type: single nucleotide variant.
Coding change: c.1975G>A on transcript NM_001184.4 (MANE Select); coding-DNA position 1975, G replaced by A.
Protein change: p.Ala659Thr; replaces alanine 659 with threonine.
Molecular consequence: missense variant.
Genome position (GRCh38, 1-based): chr3:142,556,486, C>T on the plus strand (G>A on the coding strand, the complement: ATR is on the minus strand). VCF-style: chr3-142556486-C-T. GRCh37 (hg19) VCF-style: chr3-142275328-C-T.
Other names: c.1783G>A, p.Ala595Thr (NM_001354579.2); short protein forms A659T, A595T.
Identifiers: ClinVar variation 1420699 (VCV001420699.11), dbSNP rs758152041, ClinGen allele CA2650457.